The following is an entry in ClinVar:

ClinVar aggregate classification (germline): Pathogenic/Likely pathogenic. Review status: criteria provided, multiple submitters, no conflicts (2 of 4 stars). 2 submissions from 2 submitters: Pathogenic (1); Likely pathogenic (1). Last evaluated 2023-07-08.

Conditions:
Peroxisome biogenesis disorder 3A (Zellweger). Also called: Peroxisome biogenesis disorder 3A; PEROXISOMAL BIOGENESIS DISORDER 3A (ZELLWEGER). Identifiers: Orphanet 912, MedGen C3553929, MONDO:0013927, OMIM 614859.

Submissions (2):

Baylor Genetics
Classification: Likely pathogenic for Peroxisome biogenesis disorder 3A (Zellweger). Last evaluated: 2023-07-08. Review status: criteria provided, single submitter. Criteria: ACMG Guidelines, 2015. Collection method: clinical testing. Allele origin: unknown.

Labcorp Genetics (formerly Invitae), Labcorp
Classification: Pathogenic for Peroxisome biogenesis disorder 3A (Zellweger). Last evaluated: 2022-11-02. Review status: criteria provided, single submitter. Criteria: Invitae Variant Classification Sherloc (09022015). Collection method: clinical testing. Allele origin: germline.
Comment: For these reasons, this variant has been classified as Pathogenic. This variant disrupts a region of the PEX12 protein in which other variant(s) (p.Gln337*) have been determined to be pathogenic (Invitae). This suggests that this is a clinically significant region of the protein, and that variants that disrupt it are likely to be disease-causing. This variant has not been reported in the literature in individuals affected with PEX12-related conditions. This variant is not present in population databases (gnomAD no frequency). This sequence change creates a premature translational stop signal (p.Cys307Serfs*2) in the PEX12 gene. While this is not anticipated to result in nonsense mediated decay, it is expected to disrupt the last 53 amino acid(s) of the PEX12 protein.

NM_000286.3(PEX12):c.920_921del (p.Cys307fs)

Gene: PEX12 (peroxisomal biogenesis factor 12; minus strand). Cytogenetic location: 17q12.
Variant type: Microsatellite.
Coding change: c.920_921del on transcript NM_000286.3 (MANE Select); coding-DNA positions 920 to 921, 2 bases deleted (GT; older notation c.920_921delGT).
Protein change: p.Cys307fs; shifts the reading frame from cysteine 307.
Molecular consequence: frameshift variant.
Genome position (GRCh38, 1-based): chr17:35,575,941-35,575,942, AC deleted on the plus strand (GT on the coding strand, the reverse complement: PEX12 is on the minus strand); deleting any 2 consecutive bases within chr17:35,575,941-35,575,945 gives the same sequence; the c. name uses the placement nearest the transcript's 3' end. VCF-style (leftmost placement, unchanged base first): chr17-35575940-GAC-G. GRCh37 (hg19) VCF-style: chr17-33902959-GAC-G.
Other names: short protein forms C307fs.
Identifiers: ClinVar variation 1069062 (VCV001069062.10), dbSNP rs2142228928, ClinGen allele CA2580613431.
Genomic context (GRCh38, chr17:35,575,940, plus strand): 5'-AGCGGTAACAAAACACATAGCCAGAGGTGGCAAGAACAGTATCATTCACCCGGGTTTTAC[GAC>G]ACAGTGGGCACACAGTCTTCATTTTGGGTAAGAGGGGAGAATCAGAGTTATAGTCTAGGT-3'